The following is an entry in ClinVar:

NM_024496.4(IRF2BPL):c.1905C>T (p.Gly635=)

Gene: IRF2BPL (interferon regulatory factor 2 binding protein like; minus strand). Cytogenetic location: 14q24.3.
Variant type: single nucleotide variant.
Coding change: c.1905C>T on transcript NM_024496.4 (MANE Select); coding-DNA position 1905, C replaced by T.
Protein change: p.Gly635=; no amino-acid change (glycine 635 retained).
Molecular consequence: synonymous variant.
Genome position (GRCh38, 1-based): chr14:77,025,888, G>A on the plus strand (C>T on the coding strand, the complement: IRF2BPL is on the minus strand). VCF-style: chr14-77025888-G-A. GRCh37 (hg19) VCF-style: chr14-77492231-G-A.
Identifiers: ClinVar variation 2644380 (VCV002644380.24), dbSNP rs528902990, ClinGen allele CA7283582.

ClinVar aggregate classification (germline): Likely benign (1 of 4 stars; one submission).

Allele frequency attached by ClinVar (database versions not stated): gnomAD 0.00001; gnomAD exomes 0.00002; ExAC 0.00008; 1000 Genomes Project 30x 0.00016; 1000 Genomes Project 0.00020.
gnomAD v4.1: 26 of 1,612,310 alleles (0.0016%); highest among the groups gnomAD compares: South Asian, 0.024%; no homozygotes.

Submission:

CeGaT Center for Human Genetics Tuebingen
Classification: Likely benign. Last evaluated: 2023-02-01. Review status: criteria provided, single submitter. Criteria: CeGaT Center For Human Genetics Tuebingen Variant Classification Criteria Version 2. Collection method: clinical testing. Allele origin: germline. Affected: yes. Observed: 1 variant allele.
Comment: IRF2BPL: BP4, BP7